The following is an entry in ClinVar:

ClinVar aggregate classification (germline): Uncertain significance (1 of 4 stars; one submission).

Conditions:
Gastrointestinal stromal tumor. Also called: Gastrointestinal stromal tumor, somatic; Gastrointestinal stroma tumor. Identifiers: Orphanet 44890, MedGen C0238198, MeSH D046152, MONDO:0011719, OMIM 606764, HP:0100723.

Submission:

Labcorp Genetics (formerly Invitae), Labcorp
Classification: Uncertain significance for Gastrointestinal stromal tumor. Last evaluated: 2018-11-14. Review status: criteria provided, single submitter. Criteria: Invitae Variant Classification Sherloc (09022015). Collection method: clinical testing. Allele origin: germline.
Comment: Algorithms developed to predict the effect of missense changes on protein structure and function are either unavailable or do not agree on the potential impact of this missense change (SIFT: "Tolerated"; PolyPhen-2: "Probably Damaging"; Align-GVGD: "Class C0"). This variant has not been reported in the literature in individuals with PDGFRA-related disease. This variant is not present in population databases (ExAC no frequency). This sequence change replaces lysine with asparagine at codon 623 of the PDGFRA protein (p.Lys623Asn). The lysine residue is highly conserved and there is a moderate physicochemical difference between lysine and asparagine. In summary, the available evidence is currently insufficient to determine the role of this variant in disease. Therefore, it has been classified as a Variant of Uncertain Significance.

NM_006206.6(PDGFRA):c.1869A>T (p.Lys623Asn)

Gene: PDGFRA (platelet derived growth factor receptor alpha; plus strand). Cytogenetic location: 4q12.
Variant type: single nucleotide variant.
Coding change: c.1869A>T on transcript NM_006206.6 (MANE Select); coding-DNA position 1869, A replaced by T.
Protein change: p.Lys623Asn; replaces lysine 623 with asparagine.
Molecular consequence: missense variant.
Genome position (GRCh38, 1-based): chr4:54,277,470, A>T. VCF-style: chr4-54277470-A-T. GRCh37 (hg19) VCF-style: chr4-55143637-A-T.
Other names: c.1869A>T, p.Lys623Asn (NM_001347827.2, NM_001347829.2); c.1944A>T, p.Lys648Asn (NM_001347828.2); c.1908A>T, p.Lys636Asn (NM_001347830.2); short protein forms K636N, K623N, K648N.
Identifiers: ClinVar variation 643185 (VCV000643185.9), dbSNP rs1328605799, ClinGen allele CA356893500.